The following is an entry in ClinVar:

ClinVar aggregate classification (germline): Likely pathogenic. Review status: criteria provided, multiple submitters, no conflicts (2 of 4 stars). 2 submissions from 2 submitters: Likely pathogenic (2). Last evaluated 2023-10-07.

Conditions:
Methylcobalamin deficiency type cblE (HMAE). Also called: HOMOCYSTINURIA-MEGALOBLASTIC ANEMIA, cblE COMPLEMENTATION TYPE; VITAMIN B12-RESPONSIVE HOMOCYSTINURIA, cblE TYPE; HOMOCYSTINURIA-MEGALOBLASTIC ANEMIA, cblE TYPE. Identifiers: Orphanet 2169, Orphanet 622, MedGen C1856057, MONDO:0009354, OMIM 236270.
Neural tube defects, folate-sensitive (NTDFS). Also called: NTD, FOLATE-SENSITIVE. Identifiers: Orphanet 823, MedGen C1866558, MONDO:0011120, OMIM 601634.

Allele frequency attached by ClinVar (database versions not stated): TOPMed below 0.00001; gnomAD 0.00001.
gnomAD v4.1: 1 of 1,599,950 alleles (0.000063%); highest among the groups gnomAD compares: Admixed American, 0.0017%; no homozygotes.

Submissions (2):

Baylor Genetics
Classification: Likely pathogenic for Neural tube defects, folate-sensitive. Last evaluated: 2023-10-07. Review status: criteria provided, single submitter. Criteria: ACMG Guidelines, 2015. Collection method: clinical testing. Allele origin: unknown.

Labcorp Genetics (formerly Invitae), Labcorp
Classification: Likely pathogenic for Methylcobalamin deficiency type cblE. Last evaluated: 2021-06-12. Review status: criteria provided, single submitter. Criteria: Invitae Variant Classification Sherloc (09022015). Collection method: clinical testing. Allele origin: germline.
Comment: This sequence change affects a donor splice site in intron 4 of the MTRR gene. It is expected to disrupt RNA splicing. Variants that disrupt the donor or acceptor splice site typically lead to a loss of protein function (PMID: 16199547), and loss-of-function variants in MTRR are known to be pathogenic (PMID: 15714522). In summary, the currently available evidence indicates that the variant is pathogenic, but additional data are needed to prove that conclusively. Therefore, this variant has been classified as Likely Pathogenic. Algorithms developed to predict the effect of sequence changes on RNA splicing suggest that this variant may disrupt the consensus splice site, but this prediction has not been confirmed by published transcriptional studies. This variant has not been reported in the literature in individuals with MTRR-related conditions. This variant is not present in population databases (ExAC no frequency).

Literature cited by the submitters: PubMed 16199547 (cited by Labcorp Genetics (formerly Invitae), Labcorp); PubMed 15714522 (cited by Labcorp Genetics (formerly Invitae), Labcorp).

NM_002454.3(MTRR):c.401+1G>A

Gene: MTRR (5-methyltetrahydrofolate-homocysteine methyltransferase reductase; plus strand). Cytogenetic location: 5p15.31.
Variant type: single nucleotide variant.
Coding change: c.401+1G>A on transcript NM_002454.3 (MANE Select); the canonical splice donor site of the intron after coding-DNA position 401, G replaced by A.
Molecular consequence: splice donor variant.
Genome position (GRCh38, 1-based): chr5:7,875,376, G>A. VCF-style: chr5-7875376-G-A. GRCh37 (hg19) VCF-style: chr5-7875489-G-A.
Other names: c.401+1G>A (NM_001364440.2, NM_001364441.2, NM_001364442.2 and 1 more transcripts).
Identifiers: ClinVar variation 1347472 (VCV001347472.9), dbSNP rs1400065323, ClinGen allele CA359156646.